The following is an entry in ClinVar:

ClinVar aggregate classification (germline): Benign/Likely benign. Review status: criteria provided, multiple submitters, no conflicts (2 of 4 stars). 6 submissions from 6 submitters: Benign (3); Likely benign (2). 1 of the submissions does not count toward it. Last evaluated 2025-11-05.

Conditions:
TGFBR1-related disorder. Also called: TGFBR1-related condition.
Familial thoracic aortic aneurysm and aortic dissection (TAAD). Also called: Thoracic aortic aneurysms and dissections. Identifiers: Orphanet 91387, MedGen C4707243, MONDO:0019625.

Submissions (6):

Labcorp Genetics (formerly Invitae), Labcorp
Classification: Benign for Familial thoracic aortic aneurysm and aortic dissection. Last evaluated: 2025-11-05. Review status: criteria provided, single submitter. Criteria: Invitae Variant Classification Sherloc (09022015). Collection method: clinical testing. Allele origin: germline.

Blueprint Genetics
Classification: Likely benign. Last evaluated: 2024-07-16. Review status: criteria provided, single submitter. Criteria: ACMG Guidelines, 2015. Collection method: clinical testing. Allele origin: germline.

GeneDx
Classification: Likely benign. Last evaluated: 2021-05-08. Review status: criteria provided, single submitter. Criteria: GeneDx Variant Classification Process June 2021. Collection method: clinical testing. Allele origin: germline. Affected: yes.

CHEO Genetics Diagnostic Laboratory, Children's Hospital of Eastern Ontario
Classification: Benign for Familial thoracic aortic aneurysm and aortic dissection. Last evaluated: 2019-02-14. Review status: criteria provided, single submitter. Criteria: ACMG Guidelines, 2015. Collection method: clinical testing. Allele origin: germline.

Ambry Genetics
Classification: Benign for Familial thoracic aortic aneurysm and aortic dissection. Last evaluated: 2015-03-19. Review status: criteria provided, single submitter. Criteria: Ambry Variant Classification Scheme 2023. Collection method: clinical testing. Allele origin: germline.

PreventionGenetics, part of Exact Sciences
Classification: Likely benign for TGFBR1-related condition. Last evaluated: 2021-09-13. Review status: no assertion criteria provided. Collection method: clinical testing. Allele origin: germline. Not counted in ClinVar's aggregate classification.
Comment: This variant is classified as likely benign based on ACMG/AMP sequence variant interpretation guidelines (Richards et al. 2015 PMID: 25741868, with internal and published modifications).

NM_004612.4(TGFBR1):c.52GCG[7] (p.Ala25_Ala26del)

Gene: TGFBR1 (transforming growth factor beta receptor 1; plus strand). Cytogenetic location: 9q22.33.
Variant type: Microsatellite.
Coding change: c.52GCG[7] on transcript NM_004612.4 (MANE Select); seven copies in a row of the 3-base unit GCG starting at c.52; the reference has nine copies in a row; two copies, 6 bases deleted; also written c.73_78del.
Protein change: p.Ala25_Ala26del.
Molecular consequence: inframe deletion.
Genome position (GRCh38, 1-based): chr9:99,105,278-99,105,283, GCGGCG deleted; deleting any 6 consecutive bases within chr9:99,105,256-99,105,283 gives the same sequence; the position shown is the placement nearest the transcript's 3' end. VCF-style (leftmost placement, unchanged base first): chr9-99105255-TGGCGGC-T. GRCh37 (hg19) VCF-style: chr9-101867537-TGGCGGC-T.
Other names: c.73_78del (NM_004612.2); c.52GCG[7], p.Ala25_Ala26del (NM_001130916.3, NM_001306210.2); c.73_78del6 (NM_004612.3).
Identifiers: ClinVar variation 263873 (VCV000263873.23), dbSNP rs11466445, ClinGen allele CA10587676.